The following is an entry in ClinVar:

NM_144997.7(FLCN):c.826G>A (p.Gly276Ser)

Gene: FLCN (folliculin; minus strand). Cytogenetic location: 17p11.2.
Variant type: single nucleotide variant.
Coding change: c.826G>A on transcript NM_144997.7 (MANE Select); coding-DNA position 826, G replaced by A.
Protein change: p.Gly276Ser; replaces glycine 276 with serine.
Molecular consequence: missense variant.
Genome position (GRCh38, 1-based): chr17:17,221,582, C>T on the plus strand (G>A on the coding strand, the complement: FLCN is on the minus strand). VCF-style: chr17-17221582-C-T. GRCh37 (hg19) VCF-style: chr17-17124896-C-T.
Other names: c.880G>A, p.Gly294Ser (NM_001353229.2); c.826G>A, p.Gly276Ser (NM_001353230.2, NM_001353231.2, NM_144606.7); short protein forms G276S, G294S.
Identifiers: ClinVar variation 827546 (VCV000827546.4), dbSNP rs1597599241, ClinGen allele CA398533708.

ClinVar aggregate classification (germline): Uncertain significance (1 of 4 stars; one submission).

Conditions:
Hereditary cancer-predisposing syndrome. Also called: Neoplastic Syndromes, Hereditary; Tumor predisposition; Hereditary neoplastic syndrome; Hereditary Cancer Syndrome. Identifiers: Orphanet 140162, MedGen C0027672, MeSH D009386, MONDO:0015356.

Submission:

Ambry Genetics
Classification: Uncertain significance for Hereditary cancer-predisposing syndrome. Last evaluated: 2019-03-07. Review status: criteria provided, single submitter. Criteria: Ambry Variant Classification Scheme 2023. Collection method: clinical testing. Allele origin: germline.
Comment: The p.G276S variant (also known as c.826G>A), located in coding exon 5 of the FLCN gene, results from a G to A substitution at nucleotide position 826. The glycine at codon 276 is replaced by serine, an amino acid with similar properties. This amino acid position is highly conserved in available vertebrate species. In addition, this alteration is predicted to be deleterious by in silico analysis. Since supporting evidence is limited at this time, the clinical significance of this alteration remains unclear.